The following is an entry in ClinVar:

NM_002661.5(PLCG2):c.1852C>T (p.Arg618Cys)

Gene: PLCG2 (phospholipase C gamma 2; plus strand). Cytogenetic location: 16q23.3.
Variant type: single nucleotide variant.
Coding change: c.1852C>T on transcript NM_002661.5 (MANE Select); coding-DNA position 1852, C replaced by T.
Protein change: p.Arg618Cys; replaces arginine 618 with cysteine.
Molecular consequence: missense variant.
Genome position (GRCh38, 1-based): chr16:81,910,638, C>T. VCF-style: chr16-81910638-C-T. GRCh37 (hg19) VCF-style: chr16-81944243-C-T.
Other names: short protein forms R618C.
Identifiers: ClinVar variation 575008 (VCV000575008.10), dbSNP rs759496244, ClinGen allele CA8193954.

ClinVar aggregate classification (germline): Uncertain significance (1 of 4 stars; one submission).

Conditions:
Familial cold autoinflammatory syndrome 3 (FCAS3). Also called: ANTIBODY DEFICIENCY AND IMMUNE DYSREGULATION, PLCG2-ASSOCIATED; FAMILIAL ATYPICAL COLD URTICARIA. Identifiers: Orphanet 300359, MedGen C3280914, MONDO:0013766, OMIM 614468.

Allele frequency attached by ClinVar (database versions not stated): gnomAD 0.00003; gnomAD exomes 0.00004; ExAC 0.00006.
gnomAD v4.1: 25 of 1,613,886 alleles (0.0015%); highest among the groups gnomAD compares: East Asian, 0.016%; no homozygotes.

Submission:

Labcorp Genetics (formerly Invitae), Labcorp
Classification: Uncertain significance for Familial cold autoinflammatory syndrome 3. Last evaluated: 2025-12-09. Review status: criteria provided, single submitter. Criteria: Invitae Variant Classification Sherloc (09022015). Collection method: clinical testing. Allele origin: germline.
Comment: This sequence change replaces arginine, which is basic and polar, with cysteine, which is neutral and slightly polar, at codon 618 of the PLCG2 protein (p.Arg618Cys). This variant is present in population databases (rs759496244, gnomAD 0.03%). This variant has not been reported in the literature in individuals affected with PLCG2-related conditions. ClinVar contains an entry for this variant (Variation ID: 575008). An algorithm developed to predict the effect of missense changes on protein structure and function (PolyPhen-2) suggests that this variant is likely to be disruptive. In summary, the available evidence is currently insufficient to determine the role of this variant in disease. Therefore, it has been classified as a Variant of Uncertain Significance.